The following is an entry in ClinVar:

ClinVar aggregate classification (germline): Uncertain significance. Review status: criteria provided, multiple submitters, no conflicts (2 of 4 stars). 2 submissions from 2 submitters: Uncertain significance (2). Last evaluated 2024-09-22.

Conditions:
Hereditary cancer-predisposing syndrome. Also called: Neoplastic Syndromes, Hereditary; Tumor predisposition; Hereditary neoplastic syndrome; Hereditary Cancer Syndrome. Identifiers: Orphanet 140162, MedGen C0027672, MeSH D009386, MONDO:0015356.
Oligodontia-cancer predisposition syndrome. Also called: TOOTH AGENESIS-COLORECTAL CANCER SYNDROME. Identifiers: Orphanet 300576, MedGen C1837750, MONDO:0012075, OMIM 608615. Disease mechanism: loss of function.

Submissions (2):

Ambry Genetics
Classification: Uncertain significance for Hereditary cancer-predisposing syndrome. Last evaluated: 2024-09-22. Review status: criteria provided, single submitter. Criteria: Ambry Variant Classification Scheme 2023. Collection method: clinical testing. Allele origin: germline.
Comment: The p.A637V variant (also known as c.1910C>T), located in coding exon 7 of the AXIN2 gene, results from a C to T substitution at nucleotide position 1910. The alanine at codon 637 is replaced by valine, an amino acid with similar properties. This amino acid position is conserved. In addition, this alteration is predicted to be tolerated by in silico analysis. Based on the available evidence, the clinical significance of this variant remains unclear.

Labcorp Genetics (formerly Invitae), Labcorp
Classification: Uncertain significance for Oligodontia-cancer predisposition syndrome. Last evaluated: 2022-10-21. Review status: criteria provided, single submitter. Criteria: Invitae Variant Classification Sherloc (09022015). Collection method: clinical testing. Allele origin: germline.
Comment: Algorithms developed to predict the effect of missense changes on protein structure and function (SIFT, PolyPhen-2, Align-GVGD) all suggest that this variant is likely to be tolerated. In summary, the available evidence is currently insufficient to determine the role of this variant in disease. Therefore, it has been classified as a Variant of Uncertain Significance. This variant has not been reported in the literature in individuals affected with AXIN2-related conditions. This sequence change replaces alanine, which is neutral and non-polar, with valine, which is neutral and non-polar, at codon 637 of the AXIN2 protein (p.Ala637Val). This variant is not present in population databases (gnomAD no frequency).

NM_004655.4(AXIN2):c.1910C>T (p.Ala637Val)

Gene: AXIN2 (axin 2; minus strand). Cytogenetic location: 17q24.1.
Variant type: single nucleotide variant.
Coding change: c.1910C>T on transcript NM_004655.4 (MANE Select); coding-DNA position 1910, C replaced by T.
Protein change: p.Ala637Val; replaces alanine 637 with valine.
Molecular consequence: missense variant.
Genome position (GRCh38, 1-based): chr17:65,536,551, G>A on the plus strand (C>T on the coding strand, the complement: AXIN2 is on the minus strand). VCF-style: chr17-65536551-G-A. GRCh37 (hg19) VCF-style: chr17-63532669-G-A.
Other names: c.1715C>T, p.Ala572Val (NM_001363813.1); short protein forms A572V, A637V.
Identifiers: ClinVar variation 1722002 (VCV001722002.6), dbSNP rs2144444364, ClinGen allele CA400676353.